The following is an entry in ClinVar:

NM_032119.4(ADGRV1):c.3133G>C (p.Ala1045Pro)

Gene: ADGRV1 (adhesion G protein-coupled receptor V1; plus strand). Cytogenetic location: 5q14.3.
Variant type: single nucleotide variant.
Coding change: c.3133G>C on transcript NM_032119.4 (MANE Select); coding-DNA position 3133, G replaced by C.
Protein change: p.Ala1045Pro; replaces alanine 1045 with proline.
Molecular consequence: missense variant. On other transcripts: non-coding transcript variant (1).
Genome position (GRCh38, 1-based): chr5:90,647,608, G>C. VCF-style: chr5-90647608-G-C. GRCh37 (hg19) VCF-style: chr5-89943425-G-C.
Other names: short protein forms A1045P.
Identifiers: ClinVar variation 903718 (VCV000903718.10), dbSNP rs372262361, ClinGen allele CA3339109.

ClinVar aggregate classification (germline): Uncertain significance. Review status: criteria provided, multiple submitters, no conflicts (2 of 4 stars). 3 submissions from 3 submitters: Uncertain significance (3). Last evaluated 2024-10-21.

Conditions:
Usher syndrome type 2C. Also called: Usher syndrome, type 2B; USHER SYNDROME, TYPE IIC. Identifiers: Orphanet 231178, Orphanet 886, MedGen C2931213, MONDO:0011558, OMIM 605472.
Inborn genetic diseases. Identifiers: MedGen C0950123, MeSH D030342.

Allele frequency attached by ClinVar (database versions not stated): gnomAD 0.00001 and 0.00002; gnomAD exomes 0.00005; TOPMed 0.00005; ExAC 0.00007; ESP Exome Variant Server 0.00016.
gnomAD v4.1: 53 of 1,613,842 alleles (0.0033%); highest among the groups gnomAD compares: Non-Finnish European, 0.0042%; no homozygotes.

Submissions (3):

Ambry Genetics
Classification: Uncertain significance for Inborn genetic diseases. Last evaluated: 2024-10-21. Review status: criteria provided, single submitter. Criteria: Ambry Variant Classification Scheme 2023. Collection method: clinical testing. Allele origin: germline.

Labcorp Genetics (formerly Invitae), Labcorp
Classification: Uncertain significance. Last evaluated: 2022-05-06. Review status: criteria provided, single submitter. Criteria: Invitae Variant Classification Sherloc (09022015). Collection method: clinical testing. Allele origin: germline.
Comment: This sequence change replaces alanine, which is neutral and non-polar, with proline, which is neutral and non-polar, at codon 1045 of the ADGRV1 protein (p.Ala1045Pro). This variant is present in population databases (rs372262361, gnomAD 0.01%). This variant has not been reported in the literature in individuals affected with ADGRV1-related conditions. ClinVar contains an entry for this variant (Variation ID: 903718). Algorithms developed to predict the effect of missense changes on protein structure and function are either unavailable or do not agree on the potential impact of this missense change (SIFT: "Deleterious"; PolyPhen-2: "Probably Damaging"; Align-GVGD: "Class C0"). In summary, the available evidence is currently insufficient to determine the role of this variant in disease. Therefore, it has been classified as a Variant of Uncertain Significance.

Illumina Laboratory Services, Illumina
Classification: Uncertain significance for Usher syndrome type 2C. Last evaluated: 2018-01-15. Review status: criteria provided, single submitter. Criteria: ICSL Variant Classification Criteria 13 December 2019. Collection method: clinical testing. Allele origin: germline.